The following is an entry in ClinVar:

NM_000503.6(EYA1):c.678C>G (p.Tyr226Ter)

Gene: EYA1 (EYA transcriptional coactivator and phosphatase 1; minus strand). Cytogenetic location: 8q13.3.
Variant type: single nucleotide variant.
Coding change: c.678C>G on transcript NM_000503.6 (MANE Select); coding-DNA position 678, C replaced by G.
Protein change: p.Tyr226Ter; replaces tyrosine 226 with a stop codon.
Molecular consequence: nonsense.
Genome position (GRCh38, 1-based): chr8:71,299,195, G>C on the plus strand (C>G on the coding strand, the complement: EYA1 is on the minus strand). VCF-style: chr8-71299195-G-C. GRCh37 (hg19) VCF-style: chr8-72211430-G-C.
Other names: c.660C>G, p.Tyr220Ter (NM_001288574.2); c.312C>G, p.Tyr104Ter (NM_001288575.2); c.765C>G, p.Tyr255Ter (NM_001370333.1); c.678C>G, p.Tyr226Ter (NM_001370334.1, NM_001370335.1, NM_172058.4); c.747C>G, p.Tyr249Ter (NM_001370336.1); c.579C>G, p.Tyr193Ter (NM_001411797.1, NM_172060.4); c.750C>G, p.Tyr250Ter (NM_172059.5); short protein forms Y104*, Y220*, Y249*, Y193*, Y250*, Y226*, Y255*.
Identifiers: ClinVar variation 2136681 (VCV002136681.4), dbSNP rs529483320, ClinGen allele CA371467389.
Genomic context (GRCh38, chr8:71,299,195, plus strand): 5'-GCTGGTGTTGCTGCTGGTCATATAATGTGCTGGATACGGTGAGCTGTTATAATACTGTGC[G>C]TACTGACCCTGGCCAAAACTGGGATAAGACGGATAGTCCTACCAAATCAAACCACACAAG-3'

ClinVar aggregate classification (germline): Pathogenic (1 of 4 stars; one submission).

Conditions:
Melnick-Fraser syndrome (BOR). Also called: Branchio-oto-renal syndrome; Branchiootorenal Syndrome (BORS); Branchiootorenal syndrome. Identifiers: Orphanet 107, MedGen C0265234, MONDO:0007029.

Submission:

Labcorp Genetics (formerly Invitae), Labcorp
Classification: Pathogenic for Melnick-Fraser syndrome. Last evaluated: 2024-06-03. Review status: criteria provided, single submitter. Criteria: Invitae Variant Classification Sherloc (09022015). Collection method: clinical testing. Allele origin: germline.
Comment: This sequence change creates a premature translational stop signal (p.Tyr226*) in the EYA1 gene. It is expected to result in an absent or disrupted protein product. Loss-of-function variants in EYA1 are known to be pathogenic (PMID: 10464653, 18220287). This variant is not present in population databases (gnomAD no frequency). This premature translational stop signal has been observed in individual(s) with branchiootorenal syndrome and/or clinical features of branchiootorenal syndrome (PMID: 10429368). It has also been observed to segregate with disease in related individuals. This variant is also known as p.Y193*. ClinVar contains an entry for this variant (Variation ID: 2136681). For these reasons, this variant has been classified as Pathogenic.

Literature cited by the submitters: PubMed 10464653; PubMed 18220287; PubMed 10429368.